The following is an entry in ClinVar:

ClinVar aggregate classification (germline): Pathogenic/Likely pathogenic. Review status: criteria provided, multiple submitters, no conflicts (2 of 4 stars). 7 submissions from 7 submitters: Pathogenic (5); Likely pathogenic (1). 1 of the submissions does not count toward it. Last evaluated 2025-12-09.

Conditions:
BBS1-related disorder. Also called: BBS1-related condition.
Bardet-Biedl syndrome 1 (BBS1). Identifiers: MedGen C2936862, MONDO:0008854, OMIM 209900. Disease mechanism: loss of function.
Bardet-Biedl syndrome (BBS). Identifiers: Orphanet 110, MedGen C0752166, MONDO:0015229.

Allele frequency attached by ClinVar (database versions not stated): gnomAD 0.00001; gnomAD exomes below 0.00001 and 0.00001; TOPMed 0.00001.
gnomAD v4.1: 5 of 1,614,094 alleles (0.00031%); highest among the groups gnomAD compares: Admixed American, 0.0017%; no homozygotes.

Submissions (7):

Dasa
Classification: Pathogenic. Last evaluated: 2025-12-09. Review status: criteria provided, single submitter. Criteria: DASA Assertion Criteria. Collection method: clinical testing. Allele origin: germline.
Comment: NM_024649.5(BBS1):c.1318C>T (p.Arg440*) introduces a premature termination codon predicted to result in loss of normal protein function. Loss-of-function is an established mechanism of disease for this gene. This variant has been observed in affected individuals with related phenotype in a genotype context consistent with recessive disease (PMID: 39092430). This variant has been reported in individuals with related phenotype (PMID: 39092430). The variant is present at low frequency in population datasets. Based on the available data, this variant is classified as pathogenic.

Natera, Inc.
Classification: Pathogenic for Bardet-Biedl syndrome type 1. Last evaluated: 2025-07-16. Review status: criteria provided, single submitter. Criteria: Natera Variant Classification Schema (03/2026). Collection method: clinical testing. Allele origin: germline.
Comment: The c.1318C>T variant in BBS1 is a nonsense variant predicted to introduce a stop codon at amino acid 440. This variant is expected to result in nonsense mediated decay, truncation, or a dysfunctional protein product. This variant is rare in the general population with a frequency below the threshold expected for the associated phenotype(s). This variant has been observed in one or more individuals affected with the associated recessive disease, as either homozygous or compound heterozygous with a second variant (PMID: 12524598). Given the available evidence, this variant is classified as Pathogenic.

PreventionGenetics, part of Exact Sciences
Classification: Pathogenic for BBS1-related condition. Last evaluated: 2025-03-27. Review status: criteria provided, single submitter. Criteria: ACMG Guidelines, 2015. Collection method: clinical testing. Allele origin: germline.
Comment: The BBS1 c.1318C>T variant is predicted to result in premature protein termination (p.Arg440*). This variant was reported to be causative for Bardet-Biedl syndrome (Mykytyn et al. 2003. PubMed ID: 12524598; Beales et al. 2003. PubMed ID: 12677556). This variant is reported in 0.0054% of alleles in individuals of East Asian descent in gnomAD. Nonsense variants in BBS1 are expected to be pathogenic. This variant is interpreted as pathogenic.

Laboratorio de Genetica e Diagnostico Molecular, Hospital Israelita Albert Einstein
Classification: Pathogenic for Bardet-Biedl syndrome 1. Last evaluated: 2024-11-21. Review status: criteria provided, single submitter. Criteria: ACMG Guidelines, 2015. Collection method: clinical testing. Allele origin: germline. Affected: yes.
Comment: ACMG classification criteria: PVS1 very strong, PM2 supporting, PM3 moderate

Labcorp Genetics (formerly Invitae), Labcorp
Classification: Pathogenic for Bardet-Biedl syndrome. Last evaluated: 2024-02-01. Review status: criteria provided, single submitter. Criteria: Invitae Variant Classification Sherloc (09022015). Collection method: clinical testing. Allele origin: germline.
Comment: This sequence change creates a premature translational stop signal (p.Arg440*) in the BBS1 gene. It is expected to result in an absent or disrupted protein product. Loss-of-function variants in BBS1 are known to be pathogenic (PMID: 12118255, 21520335, 27032803). This variant is present in population databases (no rsID available, gnomAD 0.006%). This premature translational stop signal has been observed in individual(s) with Bardet-Biedl syndrome (PMID: 12524598). ClinVar contains an entry for this variant (Variation ID: 551887). Algorithms developed to predict the effect of sequence changes on RNA splicing suggest that this variant may create or strengthen a splice site. For these reasons, this variant has been classified as Pathogenic.

Blueprint Genetics
Classification: Likely pathogenic for BBS1-related disorders. Last evaluated: 2022-06-27. Review status: criteria provided, single submitter. Criteria: ACMG Guidelines, 2015. Collection method: clinical testing. Allele origin: germline. Affected: yes. Observed: 3 variant alleles.

Counsyl
Classification: Likely pathogenic for Bardet-Biedl syndrome 1. Last evaluated: 2017-05-16. Review status: no assertion criteria provided. Collection method: clinical testing. Allele origin: unknown. Not counted in ClinVar's aggregate classification.

Literature cited by the submitters: PubMed 39092430 (cited by Dasa); PubMed 12524598 (cited by 3 submitters); PubMed 12118255 (cited by Labcorp Genetics (formerly Invitae), Labcorp); PubMed 21520335 (cited by Labcorp Genetics (formerly Invitae), Labcorp); PubMed 27032803 (cited by Labcorp Genetics (formerly Invitae), Labcorp); PubMed 12677556 (cited by Counsyl).

NM_024649.5(BBS1):c.1318C>T (p.Arg440Ter)

Genes: BBS1 (Bardet-Biedl syndrome 1; plus strand), ZDHHC24 (zDHHC palmitoyltransferase 24; minus strand). Cytogenetic location: 11q13.2.
Variant type: single nucleotide variant.
Coding change: c.1318C>T on transcript NM_024649.5 (MANE Select); coding-DNA position 1318, C replaced by T.
Protein change: p.Arg440Ter; replaces arginine 440 with a stop codon.
Molecular consequence: nonsense. On other transcripts: intron variant (1).
Genome position (GRCh38, 1-based): chr11:66,526,786, C>T. VCF-style: chr11-66526786-C-T. GRCh37 (hg19) VCF-style: chr11-66294257-C-T.
Other names: c.*21+150G>A (NM_001348571.2); short protein forms R440*.
Identifiers: ClinVar variation 551887 (VCV000551887.26), dbSNP rs1014835928, ClinGen allele CA224047703.
Genomic context (GRCh38, chr11:66,526,786, plus strand): 5'-GCCCAGGCCATGAAACTCAATGTGCCCCGAAAGACCCGGCTTTACGTGGATCAGACACTG[C>T]GAGAGCGGGAGGCTGGCACCGGTGAGCCTCAGACTGGGTCCTTTCCCTTCTTCCTCCTCC-3'